The following is an entry in ClinVar:

ClinVar aggregate classification (germline): Uncertain significance (1 of 4 stars; one submission).

Conditions:
Holoprosencephaly 9 (HPE9). Also called: HOLOPROSENCEPHALY WITH MICROPHTHALMIA AND FIRST BRANCHIAL ARCH ANOMALIES; PITUITARY ANOMALIES WITH HOLOPROSENCEPHALY-LIKE FEATURES. Identifiers: Orphanet 2162, MedGen C1835819, MONDO:0012563, OMIM 610829.
Postaxial polydactyly-anterior pituitary anomalies-facial dysmorphism syndrome. Also called: Culler-Jones syndrome. Identifiers: Orphanet 420584, MedGen C4014479, MONDO:0014369, OMIM 615849.

gnomAD v4.1: 5 of 1,387,840 alleles (0.00036%); highest among the groups gnomAD compares: African/African-American, 0.0046%; no homozygotes.

Submission:

Labcorp Genetics (formerly Invitae), Labcorp
Classification: Uncertain significance for Postaxial polydactyly-anterior pituitary anomalies-facial dysmorphism syndrome; Holoprosencephaly 9. Last evaluated: 2024-10-01. Review status: criteria provided, single submitter. Criteria: Invitae Variant Classification Sherloc (09022015). Collection method: clinical testing. Allele origin: germline.
Comment: This sequence change replaces alanine, which is neutral and non-polar, with serine, which is neutral and polar, at codon 918 of the GLI2 protein (p.Ala918Ser). This variant is not present in population databases (gnomAD no frequency). This variant has not been reported in the literature in individuals affected with GLI2-related conditions. Invitae Evidence Modeling of protein sequence and biophysical properties (such as structural, functional, and spatial information, amino acid conservation, physicochemical variation, residue mobility, and thermodynamic stability) indicates that this missense variant is not expected to disrupt GLI2 protein function with a negative predictive value of 80%. In summary, the available evidence is currently insufficient to determine the role of this variant in disease. Therefore, it has been classified as a Variant of Uncertain Significance.

NM_001374353.1(GLI2):c.2701G>T (p.Ala901Ser)

Gene: GLI2 (GLI family zinc finger 2; plus strand). Cytogenetic location: 2q14.2.
Variant type: single nucleotide variant.
Coding change: c.2701G>T on transcript NM_001374353.1 (MANE Select); coding-DNA position 2701, G replaced by T.
Protein change: p.Ala901Ser; replaces alanine 901 with serine.
Molecular consequence: missense variant.
Genome position (GRCh38, 1-based): chr2:120,988,666, G>T. VCF-style: chr2-120988666-G-T. GRCh37 (hg19) VCF-style: chr2-121746242-G-T.
Other names: c.2752G>T, p.Ala918Ser (NM_001371271.1, NM_005270.5); c.2326G>T, p.Ala776Ser (NM_001374354.1); short protein forms A776S, A901S, A918S.
Identifiers: ClinVar variation 3749085 (VCV003749085.2).
Genomic context (GRCh38, chr2:120,988,666, plus strand): 5'-GGCGGCCCCCCGCCCACTCCGCTGCCGGGCCTGGAGCGCATGAGCCTGCGGACCAGGCTG[G>T]CGCTGCTGGACGCGCCCGAGCGCACGCTGCCCGCCGGCTGCCCACGCCCACTGGGGCCGC-3'
Protein context (NP_001361282.1, residues 891-911): LERMSLRTRL[Ala901Ser]LLDAPERTLP